The following is an entry in ClinVar:

ClinVar aggregate classification (germline): Uncertain significance (1 of 4 stars; one submission).

Submission:

Labcorp Genetics (formerly Invitae), Labcorp
Classification: Uncertain significance. Last evaluated: 2023-07-21. Review status: criteria provided, single submitter. Criteria: Invitae Variant Classification Sherloc (09022015). Collection method: clinical testing. Allele origin: germline.
Comment: This variant is not present in population databases (gnomAD no frequency). This sequence change replaces arginine, which is basic and polar, with proline, which is neutral and non-polar, at codon 1427 of the NLRP1 protein (p.Arg1427Pro). This variant has not been reported in the literature in individuals affected with NLRP1-related conditions. An algorithm developed to predict the effect of missense changes on protein structure and function (PolyPhen-2) suggests that this variant is likely to be disruptive. In summary, the available evidence is currently insufficient to determine the role of this variant in disease. Therefore, it has been classified as a Variant of Uncertain Significance.

NM_033004.4(NLRP1):c.4280G>C (p.Arg1427Pro)

Gene: NLRP1 (NLR family pyrin domain containing 1; minus strand). Cytogenetic location: 17p13.2.
Variant type: single nucleotide variant.
Coding change: c.4280G>C on transcript NM_033004.4 (MANE Select); coding-DNA position 4280, G replaced by C.
Protein change: p.Arg1427Pro; replaces arginine 1427 with proline.
Molecular consequence: missense variant. On other transcripts: intron variant (1).
Genome position (GRCh38, 1-based): chr17:5,514,896, C>G on the plus strand (G>C on the coding strand, the complement: NLRP1 is on the minus strand). VCF-style: chr17-5514896-C-G. GRCh37 (hg19) VCF-style: chr17-5418216-C-G.
Other names: c.4148G>C, p.Arg1383Pro (NM_014922.5); c.4190G>C, p.Arg1397Pro (NM_033006.4); c.4058G>C, p.Arg1353Pro (NM_033007.4); c.4069+2850G>C (NM_001033053.3); short protein forms R1427P, R1383P, R1397P, R1353P.
Identifiers: ClinVar variation 2745692 (VCV002745692.3), dbSNP rs184023870, ClinGen allele CA397386761.
Genomic context (GRCh38, chr17:5,514,896, plus strand): 5'-GCTTGGTAGAGTCCATCTTTGCACTTCCGGTCCCAGGACTGGCTCAAGCTGAACAGCTTC[C>G]GCATCTGGCTGGGCCTCGTGTTCTCAGCCAGCACCCTCTCGTACTGCTCCTGGCTCAGCA-3'
Protein context (NP_127497.1, residues 1417-1437): LAENTRPSQM[Arg1427Pro]KLFSLSQSWD